The following is an entry in ClinVar:

ClinVar aggregate classification (germline): Conflicting classifications of pathogenicity. Review status: criteria provided, conflicting classifications (1 of 4 stars). 4 submissions from 4 submitters: Pathogenic (1); Likely pathogenic (2); Uncertain significance (1). Last evaluated 2024-07-22.

Conditions:
Foveal hypoplasia 1. Also called: FOVEAL HYPOPLASIA 1 WITH OR WITHOUT ANTERIOR SEGMENT ANOMALIES AND/OR CATARACT; FOVEAL HYPOPLASIA 1 WITH ANTERIOR SEGMENT ANOMALIES. Identifiers: Orphanet 2253, MedGen C3805604, MONDO:0007628, OMIM 136520.
PAX6-related disorder. Also called: PAX6-related disorders; PAX6-related condition.
Irido-corneo-trabecular dysgenesis (ASGD5). Also called: ANTERIOR SEGMENT DYSGENESIS 5. Identifiers: Orphanet 708, MedGen C0344559, MONDO:0011414, OMIM 604229, HP:0000659.
Coloboma, ocular, autosomal dominant (MCOPCB12). Also called: Microphthalmia/coloboma 12. Identifiers: MedGen C5886785, MONDO:0007350, OMIM 120200.
Aniridia 1 (AN1). Identifiers: Orphanet 250923, MedGen C0344542, MONDO:0024507, OMIM 106210.
Isolated optic nerve hypoplasia. Also called: Bilateral optic nerve hypoplasia. Identifiers: Orphanet 637061, MedGen C1833797, MONDO:0008136, OMIM 165550.
11p partial monosomy syndrome (WAGR). Also called: WAGR syndrome; CHROMOSOME 11p13 DELETION SYNDROME; WAGR Spectrum Disorder; WAGR Complex. Identifiers: Orphanet 893, MedGen C0206115, MONDO:0008681, OMIM 194072.
Intellectual disability. Also called: Intellectual developmental disorder; Intellectual functioning disability; intellectual disabilities. Identifiers: MedGen C3714756, MeSH D008607, MONDO:0001071, HP:0001249.

Submissions (4):

Institute of Immunology and Genetics Kaiserslautern
Classification: Likely pathogenic for 11p partial monosomy syndrome; Aniridia 1; Irido-corneo-trabecular dysgenesis; Foveal hypoplasia 1; Coloboma, ocular, autosomal dominant; Isolated optic nerve hypoplasia. Last evaluated: 2024-07-22. Review status: criteria provided, single submitter. Criteria: ACMG Guidelines, 2015. Collection method: clinical testing. Allele origin: maternal. Affected: yes.
Comment: ACMG Criteria: PM1, PM5, PM2_P, PP1, PP3, PP5; Variant was found in heterozygous state

Blueprint Genetics
Classification: Pathogenic for PAX6-related disorders. Last evaluated: 2022-02-08. Review status: criteria provided, single submitter. Criteria: ACMG Guidelines, 2015. Collection method: clinical testing. Allele origin: germline. Affected: yes. Observed: 1 variant allele.

Cambridge Genomics Laboratory, East Genomic Laboratory Hub, NHS Genomic Medicine Service
Classification: Uncertain significance for Intellectual disability. Last evaluated: 2020-04-20. Review status: criteria provided, single submitter. Criteria: ACGS Best Practice Guidelines for Variant Classification in Rare Disease 2020. Collection method: clinical testing. Allele origin: germline. Affected: yes. Observed: 1 variant allele.

Wessex Regional Genetics Laboratory, Salisbury District Hospital
Classification: Likely pathogenic for Foveal hypoplasia 1. Last evaluated: 2019-08-15. Review status: criteria provided, single submitter. Criteria: ACMG Guidelines, 2015. Collection method: clinical testing. Allele origin: inherited. Inheritance: Autosomal dominant inheritance. Affected: yes. Observed: 2 variant alleles.

NM_001368894.2(PAX6):c.256G>C (p.Gly86Arg)

Gene: PAX6 (paired box 6; minus strand). Cytogenetic location: 11p13.
Variant type: single nucleotide variant.
Coding change: c.256G>C on transcript NM_001368894.2 (MANE Select); coding-DNA position 256, G replaced by C.
Protein change: p.Gly86Arg; replaces glycine 86 with arginine.
Molecular consequence: missense variant. On other transcripts: 5 prime UTR variant (14), non-coding transcript variant (2), intron variant (8).
Genome position (GRCh38, 1-based): chr11:31,801,704, C>G on the plus strand (G>C on the coding strand, the complement: PAX6 is on the minus strand). VCF-style: chr11-31801704-C-G. GRCh37 (hg19) VCF-style: chr11-31823252-C-G.
Other names: c.214G>C, p.Gly72Arg (NM_000280.6, NM_001127612.3, NM_001258464.2 and 10 more transcripts); c.256G>C, p.Gly86Arg (NM_001258462.3, NM_001258463.2, NM_001310158.2 and 6 more transcripts); c.-526G>C (NM_001310160.2, NM_001368902.2, NM_001368905.2); c.-195G>C (NM_001310161.3, NM_001368899.2, NM_001368900.2 and 8 more transcripts); c.457G>C, p.Gly153Arg (NM_001368910.2); c.259G>C, p.Gly87Arg (NM_001368911.2); c.331G>C, p.Gly111Arg (NM_001368918.2, NM_001368919.2); c.289G>C, p.Gly97Arg (NM_001368920.2); and 2 more; short protein forms G153R, G97R, G86R, G87R, G111R, G72R.
Identifiers: ClinVar variation 800413 (VCV000800413.6), dbSNP rs759557055, ClinGen allele CA379958867.